The following is an entry in ClinVar:

NM_152722.5(HEPACAM):c.*2C>A

Gene: HEPACAM (hepatic and glial cell adhesion molecule; minus strand). Cytogenetic location: 11q24.2.
Variant type: single nucleotide variant.
Coding change: c.*2C>A on transcript NM_152722.5 (MANE Select); 2 bases downstream of the stop codon, C replaced by A.
Molecular consequence: 3 prime UTR variant.
Genome position (GRCh38, 1-based): chr11:124,921,136, G>T on the plus strand (C>A on the coding strand, the complement: HEPACAM is on the minus strand). VCF-style: chr11-124921136-G-T. GRCh37 (hg19) VCF-style: chr11-124791032-G-T.
Other names: c.*2C>A (NM_001411043.1).
Identifiers: ClinVar variation 3368730 (VCV003368730.1).

ClinVar aggregate classification (germline): Uncertain significance (1 of 4 stars; one submission).

Submission:

GeneDx
Classification: Uncertain significance. Last evaluated: 2024-02-02. Review status: criteria provided, single submitter. Criteria: GeneDx Variant Classification Process June 2021. Collection method: clinical testing. Allele origin: germline. Affected: yes.
Comment: Located in a region that tolerates variation and lacks pathogenic variants; Has not been previously published as pathogenic or benign to our knowledge